The following is an entry in ClinVar:

ClinVar aggregate classification (germline): Uncertain significance. Review status: criteria provided, multiple submitters, no conflicts (2 of 4 stars). 5 submissions from 5 submitters: Uncertain significance (5). Last evaluated 2025-06-23.

Conditions:
Arrhythmogenic right ventricular dysplasia 11. Also called: Arrhythmogenic Right Ventricular Dysplasia/Cardiomyopathy11; ARRHYTHMOGENIC RIGHT VENTRICULAR DYSPLASIA, FAMILIAL, 11; Arrhythmogenic right ventricular dysplasia 11 with mild palmoplantar keratoderma and woolly hair. Identifiers: MedGen C1864850, MONDO:0012506, OMIM 610476.
Cardiovascular phenotype. Identifiers: MedGen CN230736.
Familial isolated arrhythmogenic right ventricular dysplasia. Identifiers: Orphanet 217656, MedGen C4274968, MONDO:0016342.
Cardiomyopathy (CMYO). Also called: Cardiomyopathies. Identifiers: Orphanet 167848, MedGen C0878544, MONDO:0004994, HP:0001638. Inheritance: Various modes of inheritance.

Submissions (5):

Color Diagnostics, LLC DBA Color Health
Classification: Uncertain significance for Cardiomyopathy. Last evaluated: 2025-06-23. Review status: criteria provided, single submitter. Criteria: ACMG Guidelines, 2015. Collection method: clinical testing. Allele origin: germline.
Comment: This missense variant replaces alanine with threonine at codon 895 of the DSC2 protein. Computational prediction is inconclusive regarding the impact of this variant on protein structure and function. To our knowledge, functional studies have not been reported for this variant. This variant has not been reported in individuals affected with DSC2-related disorders in the literature. This variant has not been identified in the general population by the Genome Aggregation Database (gnomAD). The available evidence is insufficient to determine the role of this variant in disease conclusively. Therefore, this variant is classified as a Variant of Uncertain Significance.

Labcorp Genetics (formerly Invitae), Labcorp
Classification: Uncertain significance for Arrhythmogenic right ventricular dysplasia 11. Last evaluated: 2025-06-04. Review status: criteria provided, single submitter. Criteria: Invitae Variant Classification Sherloc (09022015). Collection method: clinical testing. Allele origin: germline.
Comment: This sequence change replaces alanine, which is neutral and non-polar, with threonine, which is neutral and polar, at codon 895 of the DSC2 protein (p.Ala895Thr). This variant is not present in population databases (gnomAD no frequency). This variant has not been reported in the literature in individuals affected with DSC2-related conditions. ClinVar contains an entry for this variant (Variation ID: 410646). An algorithm developed to predict the effect of missense changes on protein structure and function (PolyPhen-2) suggests that this variant is likely to be disruptive. In summary, the available evidence is currently insufficient to determine the role of this variant in disease. Therefore, it has been classified as a Variant of Uncertain Significance.

Ambry Genetics
Classification: Uncertain significance for Cardiovascular phenotype. Last evaluated: 2024-10-07. Review status: criteria provided, single submitter. Criteria: Ambry Variant Classification Scheme 2023. Collection method: clinical testing. Allele origin: germline.
Comment: The p.A895T variant (also known as c.2683G>A), located in coding exon 16 of the DSC2 gene, results from a G to A substitution at nucleotide position 2683. The alanine at codon 895 is replaced by threonine, an amino acid with similar properties. This amino acid position is conserved. In addition, this alteration is predicted to be deleterious by in silico analysis. Based on the available evidence, the clinical significance of this variant remains unclear.

All of Us Research Program, National Institutes of Health
Classification: Uncertain significance for Familial isolated arrhythmogenic right ventricular dysplasia. Last evaluated: 2023-06-08. Review status: criteria provided, single submitter. Criteria: ACMG Guidelines, 2015. Collection method: clinical testing. Allele origin: germline. Inheritance: Autosomal dominant inheritance. Observed: 1 variant allele, 1 heterozygote.
Comment: This missense variant replaces alanine with threonine at codon 895 of the DSC2 protein. Computational prediction is inconclusive regarding the impact of this variant on protein structure and function (internally defined REVEL score threshold 0.5 < inconclusive < 0.7, PMID: 27666373). To our knowledge, functional studies have not been reported for this variant. This variant has not been reported in individuals affected with DSC2-related disorders in the literature. This variant has not been identified in the general population by the Genome Aggregation Database (gnomAD). The available evidence is insufficient to determine the role of this variant in disease conclusively. Therefore, this variant is classified as a Variant of Uncertain Significance.

This study involves interpretation of variants in research participants for the purpose of population health screening. Participant phenotype was not available at the time of variant classification. Additional details can be found in publication PMID: 35346344, PMCID: PMC8962531

Fulgent Genetics
Classification: Uncertain significance for Arrhythmogenic right ventricular dysplasia 11. Last evaluated: 2021-10-01. Review status: criteria provided, single submitter. Criteria: ACMG Guidelines, 2015. Collection method: clinical testing. Allele origin: unknown.

NM_024422.6(DSC2):c.2683G>A (p.Ala895Thr)

Gene: DSC2 (desmocollin 2; minus strand). Cytogenetic location: 18q12.1.
Variant type: single nucleotide variant.
Coding change: c.2683G>A on transcript NM_024422.6 (MANE Select); coding-DNA position 2683, G replaced by A.
Protein change: p.Ala895Thr; replaces alanine 895 with threonine.
Molecular consequence: missense variant. On other transcripts: 3 prime UTR variant (1).
Genome position (GRCh38, 1-based): chr18:31,068,038, C>T on the plus strand (G>A on the coding strand, the complement: DSC2 is on the minus strand). VCF-style: chr18-31068038-C-T. GRCh37 (hg19) VCF-style: chr18-28648004-C-T.
Other names: c.*185G>A (NM_004949.5); short protein forms A895T.
Identifiers: ClinVar variation 410646 (VCV000410646.11), dbSNP rs1060502988, ClinGen allele CA16615761.